The following is an entry in ClinVar:

NM_007255.3(B4GALT7):c.240_241delinsTT (p.Pro81Ser)

Gene: B4GALT7 (beta-1,4-galactosyltransferase 7; plus strand). Cytogenetic location: 5q35.3.
Variant type: Indel.
Coding change: c.240_241delinsTT on transcript NM_007255.3 (MANE Select); coding-DNA positions 240 to 241, CC replaced by TT.
Protein change: p.Pro81Ser; replaces proline 81 with serine.
Molecular consequence: missense variant.
Genome position (GRCh38, 1-based): chr5:177,604,368-177,604,369, CC replaced by TT. VCF-style: chr5-177604368-CC-TT. GRCh37 (hg19) VCF-style: chr5-177031369-CC-TT.
Other names: short protein forms P81S.
Identifiers: ClinVar variation 4688882 (VCV004688882.1).

ClinVar aggregate classification (germline): Uncertain significance (1 of 4 stars; one submission).

Submission:

Women's Health and Genetics/Laboratory Corporation of America, LabCorp
Classification: Uncertain significance. Last evaluated: 2025-12-23. Review status: criteria provided, single submitter. Criteria: LabCorp Variant Classification Summary - May 2015. Collection method: clinical testing. Allele origin: germline.
Comment: Variant summary: B4GALT7 c.240_241delinsTT (p.Pro81Ser) results in a non-conservative amino acid change in the encoded protein sequence. Algorithms developed to predict the effect of missense changes on protein structure and function are either unavailable or do not agree on the potential impact of this missense change. The variant was absent in 243810 control chromosomes. The available data on variant occurrences in the general population are insufficient to allow any conclusion about variant significance. To our knowledge, no occurrence of c.240_241delinsTT in individuals affected with B4GALT7-related conditions and no experimental evidence demonstrating its impact on protein function have been reported. No submitters have cited clinical-significance assessments for this variant to ClinVar. Based on the evidence outlined above, the variant was classified as uncertain significance.